The following is an entry in ClinVar:

NM_033100.4(CDHR1):c.1463dup (p.Ser489fs)

Gene: CDHR1 (cadherin related family member 1; plus strand). Cytogenetic location: 10q23.1.
Variant type: Duplication.
Coding change: c.1463dup on transcript NM_033100.4 (MANE Select); coding-DNA position 1463, one base duplicated (G; older notation c.1463dupG).
Protein change: p.Ser489fs; shifts the reading frame from serine 489.
Molecular consequence: frameshift variant.
Genome position (GRCh38, 1-based): chr10:84,211,143, G duplicated; the last of 5 consecutive G bases (chr10:84,211,139-84,211,143); duplicating any one gives the same sequence. VCF-style (leftmost placement, unchanged base first): chr10-84211138-A-AG. GRCh37 (hg19) VCF-style: chr10-85970894-A-AG.
Other names: c.1463dup, p.Ser489fs (NM_001171971.3); short protein forms S489fs.
Identifiers: ClinVar variation 1069264 (VCV001069264.7), dbSNP rs756678484, ClinGen allele CA2499220410.

ClinVar aggregate classification (germline): Pathogenic (1 of 4 stars; one submission).

Submission:

Labcorp Genetics (formerly Invitae), Labcorp
Classification: Pathogenic. Last evaluated: 2020-04-06. Review status: criteria provided, single submitter. Criteria: Invitae Variant Classification Sherloc (09022015). Collection method: clinical testing. Allele origin: germline.
Comment: For these reasons, this variant has been classified as Pathogenic. Loss-of-function variants in CDHR1 are known to be pathogenic (PMID: 23044944, 23591405, 26103963, 26261414). This variant has not been reported in the literature in individuals with CDHR1-related conditions. This variant is not present in population databases (ExAC no frequency). This sequence change creates a premature translational stop signal (p.Ser489Leufs*47) in the CDHR1 gene. It is expected to result in an absent or disrupted protein product.

Literature cited by the submitters: PubMed 23044944; PubMed 23591405; PubMed 26103963; PubMed 26261414.